The following is an entry in ClinVar:

NM_170707.4(LMNA):c.1157+6C>G

Gene: LMNA (lamin A/C; plus strand). Cytogenetic location: 1q22.
Variant type: single nucleotide variant.
Coding change: c.1157+6C>G on transcript NM_170707.4 (MANE Select); 6 bases into the intron after coding-DNA position 1157, C replaced by G.
Molecular consequence: intron variant.
Genome position (GRCh38, 1-based): chr1:156,136,127, C>G. VCF-style: chr1-156136127-C-G. GRCh37 (hg19) VCF-style: chr1-156105918-C-G.
Other names: c.1157+6C>G (NM_001282625.2, NM_001282626.2, NM_170708.4 and 1 more transcripts); c.821+6C>G (NM_001257374.3); c.914+6C>G (NM_001282624.2).
Identifiers: ClinVar variation 200927 (VCV000200927.16), dbSNP rs374768416, ClinGen allele CA016725.
Genomic context (GRCh38, chr1:156,136,127, plus strand): 5'-CCCTGGACATGGAGATCCACGCCTACCGCAAGCTCTTGGAGGGCGAGGAGGAGAGGTGGG[C>G]TGGGGAGACGTCGGGGAGGTGCTGGCAGTGTCCTCTGGCCGGCAACTGGCCTTGACTAGA-3'

ClinVar aggregate classification (germline): Conflicting classifications of pathogenicity. Review status: criteria provided, conflicting classifications (1 of 4 stars). 6 submissions from 6 submitters: Uncertain significance (2); Benign (1); Likely benign (3). Last evaluated 2026-01-06.

Conditions:
LMNA-related disorder. Also called: LMNA-related condition; LMNA-related disease; LMNA-related disorders. Identifiers: MedGen CN380145.
Cardiovascular phenotype. Identifiers: MedGen CN230736.
Charcot-Marie-Tooth disease type 2. Also called: Charcot-Marie-Tooth type 2. Identifiers: Orphanet 64746, MedGen C0270914, MONDO:0018993.
Cardiomyopathy (CMYO). Also called: Cardiomyopathies. Identifiers: Orphanet 167848, MedGen C0878544, MONDO:0004994, HP:0001638. Inheritance: Various modes of inheritance.
Primary dilated cardiomyopathy (DCM). Also called: Dilated Cardiomyopathy. Identifiers: Orphanet 217604, MedGen C0007193, MeSH D002311, MONDO:0005021, HP:0001644. Inheritance: Various modes of inheritance.

Allele frequency attached by ClinVar (database versions not stated): gnomAD exomes 0.00001; gnomAD 0.00002; TOPMed 0.00002; ESP Exome Variant Server 0.00008.
gnomAD v4.1: 14 of 1,613,800 alleles (0.00087%); highest among the groups gnomAD compares: Non-Finnish European, 0.0012%; no homozygotes.

Submissions (6):

PreventionGenetics, part of Exact Sciences
Classification: Likely benign for LMNA-related condition. Last evaluated: 2026-01-06. Review status: criteria provided, single submitter. Criteria: ACMG Guidelines, 2015. Collection method: clinical testing. Allele origin: germline.
Comment: This variant is classified as likely benign based on ACMG/AMP sequence variant interpretation guidelines (Richards et al. 2015 PMID: 25741868, with internal and published modifications).

Labcorp Genetics (formerly Invitae), Labcorp
Classification: Uncertain significance for Charcot-Marie-Tooth disease type 2. Last evaluated: 2025-07-29. Review status: criteria provided, single submitter. Criteria: Invitae Variant Classification Sherloc (09022015). Collection method: clinical testing. Allele origin: germline.
Comment: This sequence change falls in intron 6 of the LMNA gene. It does not directly change the encoded amino acid sequence of the LMNA protein. It affects a nucleotide within the consensus splice site. This variant is present in population databases (rs374768416, gnomAD 0.002%). This variant has not been reported in the literature in individuals affected with LMNA-related conditions. ClinVar contains an entry for this variant (Variation ID: 200927). Variants that disrupt the consensus splice site are a relatively common cause of aberrant splicing (PMID: 17576681, 9536098). Algorithms developed to predict the effect of sequence changes on RNA splicing suggest that this variant may disrupt the consensus splice site. In summary, the available evidence is currently insufficient to determine the role of this variant in disease. Therefore, it has been classified as a Variant of Uncertain Significance.

Molecular Diagnostic Laboratory for Inherited Cardiovascular Disease, Montreal Heart Institute
Classification: Uncertain significance for Cardiovascular phenotype. Last evaluated: 2025-04-09. Review status: criteria provided, single submitter. Criteria: ACMG Guidelines, 2015. Collection method: clinical testing. Allele origin: germline. Affected: yes.

All of Us Research Program, National Institutes of Health
Classification: Likely benign for Primary dilated cardiomyopathy. Last evaluated: 2023-04-27. Review status: criteria provided, single submitter. Criteria: ACMG Guidelines, 2015. Collection method: clinical testing. Allele origin: germline. Inheritance: Autosomal dominant inheritance. Observed: 4 variant alleles, 4 heterozygotes.
Comment: This study involves interpretation of variants in research participants for the purpose of population health screening. Participant phenotype was not available at the time of variant classification. Additional details can be found in publication PMID: 35346344, PMCID: PMC8962531

Color Diagnostics, LLC DBA Color Health
Classification: Likely benign for Cardiomyopathy. Last evaluated: 2018-11-16. Review status: criteria provided, single submitter. Criteria: ACMG Guidelines, 2015. Collection method: clinical testing. Allele origin: germline.

GeneDx
Classification: Benign. Last evaluated: 2014-06-25. Review status: criteria provided, single submitter. Criteria: GeneDx Variant Classification (06012015). Collection method: clinical testing. Allele origin: germline. Affected: yes.
Comment: This variant is considered likely benign or benign based on one or more of the following criteria: it is a conservative change, it occurs at a poorly conserved position in the protein, it is predicted to be benign by multiple in silico algorithms, and/or has population frequency not consistent with disease.

Literature cited by the submitters: PubMed 17576681 (cited by Labcorp Genetics (formerly Invitae), Labcorp); PubMed 9536098 (cited by Labcorp Genetics (formerly Invitae), Labcorp).